The following is an entry in ClinVar:

NM_030777.4(SLC2A10):c.1375A>C (p.Asn459His)

Gene: SLC2A10 (solute carrier family 2 member 10; plus strand). Cytogenetic location: 20q13.12.
Variant type: single nucleotide variant.
Coding change: c.1375A>C on transcript NM_030777.4 (MANE Select); coding-DNA position 1375, A replaced by C.
Protein change: p.Asn459His; replaces asparagine 459 with histidine.
Molecular consequence: missense variant.
Genome position (GRCh38, 1-based): chr20:46,726,950, A>C. VCF-style: chr20-46726950-A-C. GRCh37 (hg19) VCF-style: chr20-45355589-A-C.
Other names: short protein forms N459H.
Identifiers: ClinVar variation 1025226 (VCV001025226.9), dbSNP rs781676521, ClinGen allele CA409272102.

ClinVar aggregate classification (germline): Uncertain significance (1 of 4 stars; one submission).

Conditions:
Arterial tortuosity syndrome (ATORS). Identifiers: Orphanet 3342, MedGen C1859726, MONDO:0008818, OMIM 208050.

Submission:

Labcorp Genetics (formerly Invitae), Labcorp
Classification: Uncertain significance for Arterial tortuosity syndrome. Last evaluated: 2022-07-25. Review status: criteria provided, single submitter. Criteria: Invitae Variant Classification Sherloc (09022015). Collection method: clinical testing. Allele origin: germline.
Comment: ClinVar contains an entry for this variant (Variation ID: 1025226). In summary, the available evidence is currently insufficient to determine the role of this variant in disease. Therefore, it has been classified as a Variant of Uncertain Significance. Advanced modeling of protein sequence and biophysical properties (such as structural, functional, and spatial information, amino acid conservation, physicochemical variation, residue mobility, and thermodynamic stability) performed at Invitae indicates that this missense variant is expected to disrupt SLC2A10 protein function. This variant has not been reported in the literature in individuals affected with SLC2A10-related conditions. This variant is not present in population databases (gnomAD no frequency). This sequence change replaces asparagine, which is neutral and polar, with histidine, which is basic and polar, at codon 459 of the SLC2A10 protein (p.Asn459His).